The following is an entry in ClinVar:

NM_001384317.1(ZHX3):c.1186G>A (p.Val396Ile)

Gene: ZHX3 (zinc fingers and homeoboxes 3; minus strand). Cytogenetic location: 20q12.
Variant type: single nucleotide variant.
Coding change: c.1186G>A on transcript NM_001384317.1 (MANE Select); coding-DNA position 1186, G replaced by A.
Protein change: p.Val396Ile; replaces valine 396 with isoleucine.
Molecular consequence: missense variant.
Genome position (GRCh38, 1-based): chr20:41,203,731, C>T on the plus strand (G>A on the coding strand, the complement: ZHX3 is on the minus strand). VCF-style: chr20-41203731-C-T. GRCh37 (hg19) VCF-style: chr20-39832371-C-T.
Other names: c.1186G>A (NM_015035.3); c.1186G>A, p.Val396Ile (NM_001384315.1, NM_001384316.1, NM_001384318.1 and 8 more transcripts); short protein forms V396I.
Identifiers: ClinVar variation 1551028 (VCV001551028.10), dbSNP rs148444276, ClinGen allele CA9860002.

ClinVar aggregate classification (germline): Benign. Review status: criteria provided, multiple submitters, no conflicts (2 of 4 stars). 3 submissions from 3 submitters: Benign (2). 1 of the submissions does not count toward it. Last evaluated 2025-10-08.

Conditions:
ZHX3-related disorder. Also called: ZHX3-related condition.

Allele frequency attached by ClinVar (database versions not stated): gnomAD exomes 0.00043 and 0.00117; ExAC 0.00143; gnomAD 0.00379 and 0.00411; 1000 Genomes Project 0.00419; TOPMed 0.00447; ESP Exome Variant Server 0.00469; 1000 Genomes Project 30x 0.00484.
gnomAD v4.1: 1,231 of 1,614,172 alleles (0.076%); highest among the groups gnomAD compares: African/African-American, 1.2%; 8 homozygotes.

Submissions (3):

Labcorp Genetics (formerly Invitae), Labcorp
Classification: Benign. Last evaluated: 2025-10-08. Review status: criteria provided, single submitter. Criteria: Invitae Variant Classification Sherloc (09022015). Collection method: clinical testing. Allele origin: germline.

Breakthrough Genomics
Classification: Benign. Review status: criteria provided, single submitter. Criteria: ACMG Guidelines, 2015. Collection method: not provided. Allele origin: germline. Inheritance: Unknown mechanism. Affected: yes.

PreventionGenetics, part of Exact Sciences
Classification: Likely benign for ZHX3-related condition. Last evaluated: 2024-05-13. Review status: no assertion criteria provided. Collection method: clinical testing. Allele origin: germline. Not counted in ClinVar's aggregate classification.
Comment: This variant is classified as likely benign based on ACMG/AMP sequence variant interpretation guidelines (Richards et al. 2015 PMID: 25741868, with internal and published modifications).